The following is an entry in ClinVar:

ClinVar aggregate classification (germline): Conflicting classifications of pathogenicity. Review status: criteria provided, conflicting classifications (1 of 4 stars). 3 submissions from 3 submitters: Uncertain significance (1); Likely benign (1). 1 of the submissions does not count toward it. Last evaluated 2026-02-16.

Conditions:
TTC21B-related disorder. Also called: TTC21B-related disorders; TTC21B-related condition.
Nephronophthisis. Also called: Juvenile Nephronophthisis. Identifiers: Orphanet 655, MedGen C0687120, MONDO:0019005, HP:0000090.
Jeune thoracic dystrophy. Also called: Jeune syndrome; Infantile thoracic dystrophy; Thoracic pelvic phalangeal dystrophy; Jeune's syndrome; Chondroectodermal dysplasia-like syndrome; Short-rib thoracic dysplasia. Identifiers: Orphanet 474, MedGen C0265275, MONDO:0018770.

Allele frequency attached by ClinVar (database versions not stated): gnomAD exomes 0.00001 and 0.00002; ExAC 0.00003; gnomAD 0.00006 and 0.00007; TOPMed 0.00006; ESP Exome Variant Server 0.00008; 1000 Genomes Project 0.00040; 1000 Genomes Project 30x 0.00047.
gnomAD v4.1: 32 of 1,613,704 alleles (0.002%); highest among the groups gnomAD compares: African/African-American, 0.043%; no homozygotes.

Submissions (3):

PreventionGenetics, part of Exact Sciences
Classification: Uncertain significance for TTC21B-related condition. Last evaluated: 2026-02-16. Review status: criteria provided, single submitter. Criteria: ACMG Guidelines, 2015. Collection method: clinical testing. Allele origin: germline.
Comment: The TTC21B c.2305A>T variant is predicted to result in the amino acid substitution p.Thr769Ser. To our knowledge, this variant has not been reported in the literature. This variant is reported in 0.024% of alleles in individuals of African descent in gnomAD. Although we suspect that this variant may be benign, at this time, the clinical significance of this variant is uncertain due to the absence of conclusive functional and genetic evidence.

Labcorp Genetics (formerly Invitae), Labcorp
Classification: Likely benign for Jeune thoracic dystrophy; Nephronophthisis. Last evaluated: 2025-04-27. Review status: criteria provided, single submitter. Criteria: Invitae Variant Classification Sherloc (09022015). Collection method: clinical testing. Allele origin: germline.

Department of Pathology and Laboratory Medicine, Sinai Health System
Classification: Uncertain significance. Review status: no assertion criteria provided. Collection method: clinical testing. Allele origin: unknown. Affected: yes. Study: The Canadian Open Genetics Repository (COGR). Not counted in ClinVar's aggregate classification.
Comment: The TTC21B p.T769S variant was not identified in the literature nor was it identified in ClinVar. The variant was identified in dbSNP (ID: rs373564710) and in control databases in 6 of 282786 chromosomes at a frequency of 0.00002122 (Genome Aggregation Database March 6, 2019, v2.1.1). The p.T769 residue is conserved in mammals and computational analyses (MUT Assesor, PolyPhen-2, SIFT, MutationTaster, Revel, FATHMM, MetaLR, DANN) provide inconsistent predictions regarding the impact to the protein; this information is not very predictive of pathogenicity. The variant occurs outside of the splicing consensus sequence and in silico or computational prediction software programs (Splice AI exome) do not predict a difference in splicing. In summary, based on the above information the clinical significance of this variant cannot be determined with certainty at this time. This variant is classified as a variant of uncertain significance.

NM_024753.5(TTC21B):c.2305A>T (p.Thr769Ser)

Gene: TTC21B (tetratricopeptide repeat domain 21B; minus strand). Cytogenetic location: 2q24.3.
Variant type: single nucleotide variant.
Coding change: c.2305A>T on transcript NM_024753.5 (MANE Select); coding-DNA position 2305, A replaced by T.
Protein change: p.Thr769Ser; replaces threonine 769 with serine.
Molecular consequence: missense variant.
Genome position (GRCh38, 1-based): chr2:165,912,531, T>A on the plus strand (A>T on the coding strand, the complement: TTC21B is on the minus strand). VCF-style: chr2-165912531-T-A. GRCh37 (hg19) VCF-style: chr2-166769041-T-A.
Other names: c.2305A>T (NM_024753.4); short protein forms T769S.
Identifiers: ClinVar variation 1050728 (VCV001050728.8), dbSNP rs373564710, ClinGen allele CA1941869.